The following is an entry in ClinVar:

ClinVar aggregate classification (germline): Uncertain significance. Review status: criteria provided, multiple submitters, no conflicts (2 of 4 stars). 3 submissions from 3 submitters: Uncertain significance (3). Last evaluated 2025-04-08.

Conditions:
Gastrointestinal stromal tumor. Also called: Gastrointestinal stroma tumor; Gastrointestinal stromal tumor, somatic. Identifiers: Orphanet 44890, MedGen C0238198, MeSH D046152, MONDO:0011719, OMIM 606764, HP:0100723.
Hereditary cancer-predisposing syndrome. Also called: Hereditary neoplastic syndrome; Tumor predisposition; Hereditary Cancer Syndrome; Neoplastic Syndromes, Hereditary. Identifiers: Orphanet 140162, MedGen C0027672, MeSH D009386, MONDO:0015356.

Submissions (3):

Ambry Genetics
Classification: Uncertain significance for Hereditary cancer-predisposing syndrome. Last evaluated: 2025-04-08. Review status: criteria provided, single submitter. Criteria: Ambry Variant Classification Scheme 2023. Collection method: clinical testing. Allele origin: germline.
Comment: The p.A502V variant (also known as c.1505C>T), located in coding exon 9 of the KIT gene, results from a C to T substitution at nucleotide position 1505. The alanine at codon 502 is replaced by valine, an amino acid with similar properties. This amino acid position is well conserved in available vertebrate species. In addition, this alteration is predicted to be tolerated by in silico analysis. Based on the available evidence, the clinical significance of this variant remains unclear.

Labcorp Genetics (formerly Invitae), Labcorp
Classification: Uncertain significance for Gastrointestinal stromal tumor. Last evaluated: 2023-07-13. Review status: criteria provided, single submitter. Criteria: Invitae Variant Classification Sherloc (09022015). Collection method: clinical testing. Allele origin: germline.
Comment: In summary, the available evidence is currently insufficient to determine the role of this variant in disease. Therefore, it has been classified as a Variant of Uncertain Significance. An algorithm developed to predict the effect of missense changes on protein structure and function (PolyPhen-2) suggests that this variant is likely to be tolerated. ClinVar contains an entry for this variant (Variation ID: 1434410). This variant has not been reported in the literature in individuals affected with KIT-related conditions. This variant is not present in population databases (gnomAD no frequency). This sequence change replaces alanine, which is neutral and non-polar, with valine, which is neutral and non-polar, at codon 502 of the KIT protein (p.Ala502Val).

GeneDx
Classification: Uncertain significance. Last evaluated: 2022-11-14. Review status: criteria provided, single submitter. Criteria: GeneDx Variant Classification Process June 2021. Collection method: clinical testing. Allele origin: germline. Affected: yes.
Comment: Not observed at significant frequency in large population cohorts (gnomAD); In silico analysis supports that this missense variant does not alter protein structure/function; Has not been previously published as pathogenic or benign to our knowledge

NM_000222.3(KIT):c.1505C>T (p.Ala502Val)

Gene: KIT (KIT proto-oncogene, receptor tyrosine kinase; plus strand). Cytogenetic location: 4q12.
Variant type: single nucleotide variant.
Coding change: c.1505C>T on transcript NM_000222.3 (MANE Select); coding-DNA position 1505, C replaced by T.
Protein change: p.Ala502Val; replaces alanine 502 with valine.
Molecular consequence: missense variant.
Genome position (GRCh38, 1-based): chr4:54,726,015, C>T. VCF-style: chr4-54726015-C-T. GRCh37 (hg19) VCF-style: chr4-55592181-C-T.
Other names: c.1505C>T (NM_000222.2); c.1505C>T, p.Ala502Val (NM_001093772.2, NM_001385285.1, NM_001385286.1); c.1508C>T, p.Ala503Val (NM_001385284.1, NM_001385288.1, NM_001385290.1 and 1 more transcripts); short protein forms A503V, A502V.
Identifiers: ClinVar variation 1434410 (VCV001434410.10), dbSNP rs2109769609, ClinGen allele CA356906600.
Genomic context (GRCh38, chr4:54,726,015, plus strand): 5'-CATTCAAGCACAATGGCACGGTTGAATGTAAGGCTTACAACGATGTGGGCAAGACTTCTG[C>T]CTATTTTAACTTTGCATTTAAAGGTAACAACAAAGGTATATTTCTTTTTAATCCAATTTA-3'
Protein context (NP_000213.1, residues 492-512): KAYNDVGKTS[Ala502Val]YFNFAFKGNN